The following is an entry in ClinVar:

ClinVar aggregate classification (germline): Uncertain significance (1 of 4 stars; one submission).

Conditions:
Periodontitis, aggressive. Identifiers: MedGen C0031106, MONDO:0980757.
Haim-Munk syndrome (HMS). Also called: COCHIN JEWISH DISORDER; KERATOSIS PALMOPLANTARIS WITH PERIODONTOPATHIA AND ONYCHOGRYPOSIS. Identifiers: Orphanet 2342, MedGen C1855627, MONDO:0009491, OMIM 245010.
Papillon-Lefèvre syndrome (PALS). Also called: Papillon-Lefevre Disease; KERATOSIS PALMOPLANTARIS WITH PERIODONTOPATHIA. Identifiers: Orphanet 678, MedGen C0030360, MONDO:0009490, OMIM 245000.

gnomAD v4.1: 165 of 1,613,856 alleles (0.01%); highest among the groups gnomAD compares: Admixed American, 0.017%; no homozygotes.

Submission:

Labcorp Genetics (formerly Invitae), Labcorp
Classification: Uncertain significance for Haim-Munk syndrome; Periodontitis, aggressive; Papillon-Lefèvre syndrome. Last evaluated: 2024-01-22. Review status: criteria provided, single submitter. Criteria: Invitae Variant Classification Sherloc (09022015). Collection method: clinical testing. Allele origin: germline.
Comment: This sequence change replaces asparagine, which is neutral and polar, with lysine, which is basic and polar, at codon 398 of the CTSC protein (p.Asn398Lys). This variant is present in population databases (rs201519830, gnomAD 0.02%). This variant has not been reported in the literature in individuals affected with CTSC-related conditions. ClinVar contains an entry for this variant (Variation ID: 640536). Advanced modeling of protein sequence and biophysical properties (such as structural, functional, and spatial information, amino acid conservation, physicochemical variation, residue mobility, and thermodynamic stability) performed at Invitae indicates that this missense variant is expected to disrupt CTSC protein function with a positive predictive value of 80%. In summary, the available evidence is currently insufficient to determine the role of this variant in disease. Therefore, it has been classified as a Variant of Uncertain Significance.

NM_001814.6(CTSC):c.1194C>A (p.Asn398Lys)

Gene: CTSC (cathepsin C; minus strand). Cytogenetic location: 11q14.2.
Variant type: single nucleotide variant.
Coding change: c.1194C>A on transcript NM_001814.6 (MANE Select); coding-DNA position 1194, C replaced by A.
Protein change: p.Asn398Lys; replaces asparagine 398 with lysine.
Molecular consequence: missense variant.
Genome position (GRCh38, 1-based): chr11:88,294,204, G>T on the plus strand (C>A on the coding strand, the complement: CTSC is on the minus strand). VCF-style: chr11-88294204-G-T. GRCh37 (hg19) VCF-style: chr11-88027372-G-T.
Other names: short protein forms N398K.
Identifiers: ClinVar variation 640536 (VCV000640536.4), dbSNP rs201519830, ClinGen allele CA6219758.